The following is an entry in ClinVar:

ClinVar aggregate classification (germline): Uncertain significance (1 of 4 stars; one submission).

Conditions:
Neuropathy, hereditary sensory, type 2C. Also called: Hereditary sensory and autonomic neuropathy type IIC; KIF1A-Related HSAN2 (HSAN2C). Identifiers: Orphanet 970, MedGen C3280168, MONDO:0013634, OMIM 614213.
Hereditary spastic paraplegia 30. Identifiers: Orphanet 101010, MedGen C5235139, MONDO:0012476.
Intellectual disability, autosomal dominant 9 (NESCAVS). Also called: NESCAV SYNDROME; KIF1A-Related Neurodevelopmental Disorder. Identifiers: Orphanet 662367, MedGen C5393830, MONDO:0013656, OMIM 614255.

Submission:

Labcorp Genetics (formerly Invitae), Labcorp
Classification: Uncertain significance for Hereditary spastic paraplegia 30; Neuropathy, hereditary sensory, type 2C; Intellectual disability, autosomal dominant 9. Last evaluated: 2024-01-31. Review status: criteria provided, single submitter. Criteria: Invitae Variant Classification Sherloc (09022015). Collection method: clinical testing. Allele origin: germline.
Comment: This sequence change replaces serine, which is neutral and polar, with phenylalanine, which is neutral and non-polar, at codon 1224 of the KIF1A protein (p.Ser1224Phe). This variant is not present in population databases (gnomAD no frequency). This variant has not been reported in the literature in individuals affected with KIF1A-related conditions. Advanced modeling of protein sequence and biophysical properties (such as structural, functional, and spatial information, amino acid conservation, physicochemical variation, residue mobility, and thermodynamic stability) performed at Invitae indicates that this missense variant is not expected to disrupt KIF1A protein function with a negative predictive value of 95%. In summary, the available evidence is currently insufficient to determine the role of this variant in disease. Therefore, it has been classified as a Variant of Uncertain Significance.

NM_001244008.2(KIF1A):c.3974C>T (p.Ser1325Phe)

Gene: KIF1A (kinesin family member 1A; minus strand). Cytogenetic location: 2q37.3.
Variant type: single nucleotide variant.
Coding change: c.3974C>T on transcript NM_001244008.2 (MANE Select); coding-DNA position 3974, C replaced by T.
Protein change: p.Ser1325Phe; replaces serine 1325 with phenylalanine.
Molecular consequence: missense variant.
Genome position (GRCh38, 1-based): chr2:240,737,096, G>A on the plus strand (C>T on the coding strand, the complement: KIF1A is on the minus strand). VCF-style: chr2-240737096-G-A. GRCh37 (hg19) VCF-style: chr2-241676513-G-A.
Other names: c.3698C>T, p.Ser1233Phe (NM_001320705.2, NM_001330289.2, NM_001379638.1); c.3773C>T, p.Ser1258Phe (NM_001330290.2, NM_001379634.1, NM_001379635.1 and 1 more transcripts); c.4049C>T, p.Ser1350Phe (NM_001379631.1); c.3923C>T, p.Ser1308Phe (NM_001379632.1); c.3947C>T, p.Ser1316Phe (NM_001379633.1, NM_001379642.1, NM_001379645.1); c.3785C>T, p.Ser1262Phe (NM_001379636.1); c.3746C>T, p.Ser1249Phe (NM_001379637.1, NM_001379648.1); c.3671C>T, p.Ser1224Phe (NM_001379639.1, NM_001379641.1, NM_001379649.1 and 5 more transcripts); and 1 more; short protein forms S1223F, S1262F, S1325F, S1249F, S1308F, S1316F, S1350F, S1233F.
Identifiers: ClinVar variation 2922497 (VCV002922497.3), dbSNP rs2537079857, ClinGen allele CA351312584.